The following is an entry in ClinVar:

ClinVar aggregate classification (germline): Likely benign. Review status: criteria provided, multiple submitters, no conflicts (2 of 4 stars). 3 submissions from 3 submitters: Likely benign (3). Last evaluated 2025-11-17.

Conditions:
Cardiovascular phenotype. Identifiers: MedGen CN230736.
Hypertrophic cardiomyopathy 14. Identifiers: MedGen C2750467, MONDO:0013197, OMIM 613251.

Allele frequency attached by ClinVar (database versions not stated): gnomAD exomes below 0.00001; ExAC 0.00001; TOPMed 0.00002; gnomAD 0.00003; ESP Exome Variant Server 0.00008.
gnomAD v4.1: 7 of 1,613,332 alleles (0.00043%); highest among the groups gnomAD compares: African/African-American, 0.0054%; no homozygotes.

Submissions (3):

Labcorp Genetics (formerly Invitae), Labcorp
Classification: Likely benign for Hypertrophic cardiomyopathy 14. Last evaluated: 2025-11-17. Review status: criteria provided, single submitter. Criteria: Invitae Variant Classification Sherloc (09022015). Collection method: clinical testing. Allele origin: germline.

Ambry Genetics
Classification: Likely benign for Cardiovascular phenotype. Last evaluated: 2024-04-19. Review status: criteria provided, single submitter. Criteria: Ambry Variant Classification Scheme 2023. Collection method: clinical testing. Allele origin: germline.

GeneDx
Classification: Likely benign. Last evaluated: 2018-04-11. Review status: criteria provided, single submitter. Criteria: GeneDx Variant Classification (06012015). Collection method: clinical testing. Allele origin: germline. Affected: yes.
Comment: This variant is considered likely benign or benign based on one or more of the following criteria: it is a conservative change, it occurs at a poorly conserved position in the protein, it is predicted to be benign by multiple in silico algorithms, and/or has population frequency not consistent with disease.

NM_002471.4(MYH6):c.960C>T (p.Ser320=)

Gene: MYH6 (myosin heavy chain 6; minus strand). Cytogenetic location: 14q11.2.
Variant type: single nucleotide variant.
Coding change: c.960C>T on transcript NM_002471.4 (MANE Select); coding-DNA position 960, C replaced by T.
Protein change: p.Ser320=; no amino-acid change (serine 320 retained).
Molecular consequence: synonymous variant.
Genome position (GRCh38, 1-based): chr14:23,402,739, G>A on the plus strand (C>T on the coding strand, the complement: MYH6 is on the minus strand). VCF-style: chr14-23402739-G-A. GRCh37 (hg19) VCF-style: chr14-23871948-G-A.
Identifiers: ClinVar variation 681985 (VCV000681985.11), dbSNP rs376547858, ClinGen allele CA7115960.